The following is an entry in ClinVar:

NM_001371928.1(AHDC1):c.2354G>T (p.Gly785Val)

Gene: AHDC1 (AT-hook DNA binding motif containing 1; minus strand). Cytogenetic location: 1p36.11.
Variant type: single nucleotide variant.
Coding change: c.2354G>T on transcript NM_001371928.1 (MANE Select); coding-DNA position 2354, G replaced by T.
Protein change: p.Gly785Val; replaces glycine 785 with valine.
Molecular consequence: missense variant.
Genome position (GRCh38, 1-based): chr1:27,549,762, C>A on the plus strand (G>T on the coding strand, the complement: AHDC1 is on the minus strand). VCF-style: chr1-27549762-C-A. GRCh37 (hg19) VCF-style: chr1-27876273-C-A.
Other names: c.2354G>T, p.Gly785Val (NM_001029882.3); short protein forms G785V.
Identifiers: ClinVar variation 3061209 (VCV003061209.2), dbSNP rs2521941673, ClinGen allele CA339231936.
Genomic context (GRCh38, chr1:27,549,762, plus strand): 5'-CCAGTGGAGGCAAAGGCCCGGGCCTCGGTCCCCTGAAACCCACAGTTTCGGCCAGCTTGT[C>A]CGCCTGGGTGCCCATGGTGAGGGGCCCAGCCACCACCCTTATCCCCGGCCCACTCAGCAC-3'
Protein context (NP_001358857.1, residues 775-795): GWAPHHGHPG[Gly785Val]QAGRNCGFQG

ClinVar aggregate classification (germline): Uncertain significance (0 of 4 stars; one submission).

Conditions:
AHDC1-related disorder. Also called: AHDC1-related condition.

Submission:

PreventionGenetics, part of Exact Sciences
Classification: Uncertain significance for AHDC1-related condition. Last evaluated: 2024-03-01. Review status: no assertion criteria provided. Collection method: clinical testing. Allele origin: germline.
Comment: The AHDC1 c.2354G>T variant is predicted to result in the amino acid substitution p.Gly785Val. To our knowledge, this variant has not been reported in the literature or in a large population database, indicating this variant is rare. At this time, the clinical significance of this variant is uncertain due to the absence of conclusive functional and genetic evidence.